The following is an entry in ClinVar:

ClinVar aggregate classification (germline): Uncertain significance (1 of 4 stars; one submission).

gnomAD v4.1: 39 of 1,613,618 alleles (0.0024%); highest among the groups gnomAD compares: Admixed American, 0.055%; no homozygotes.

Submission:

Labcorp Genetics (formerly Invitae), Labcorp
Classification: Uncertain significance. Last evaluated: 2021-08-27. Review status: criteria provided, single submitter. Criteria: Invitae Variant Classification Sherloc (09022015). Collection method: clinical testing. Allele origin: germline.
Comment: This sequence change replaces glycine with arginine at codon 275 of the C6 protein (p.Gly275Arg). The glycine residue is weakly conserved and there is a moderate physicochemical difference between glycine and arginine. This variant is present in population databases (rs140129534, ExAC 0.09%). This variant has not been reported in the literature in individuals affected with C6-related conditions. Algorithms developed to predict the effect of missense changes on protein structure and function (SIFT, PolyPhen-2, Align-GVGD) all suggest that this variant is likely to be tolerated. In summary, the available evidence is currently insufficient to determine the role of this variant in disease. Therefore, it has been classified as a Variant of Uncertain Significance.

NM_000065.5(C6):c.823G>A (p.Gly275Arg)

Gene: C6 (complement C6; minus strand). Cytogenetic location: 5p13.1.
Variant type: single nucleotide variant.
Coding change: c.823G>A on transcript NM_000065.5 (MANE Select); coding-DNA position 823, G replaced by A.
Protein change: p.Gly275Arg; replaces glycine 275 with arginine.
Molecular consequence: missense variant.
Genome position (GRCh38, 1-based): chr5:41,181,463, C>T on the plus strand (G>A on the coding strand, the complement: C6 is on the minus strand). VCF-style: chr5-41181463-C-T. GRCh37 (hg19) VCF-style: chr5-41181565-C-T.
Other names: c.823G>A, p.Gly275Arg (NM_001115131.4); short protein forms G275R.
Identifiers: ClinVar variation 1400800 (VCV001400800.5), dbSNP rs140129534, ClinGen allele CA3252646.